The following is an entry in ClinVar:

NM_002454.3(MTRR):c.130-1G>A

Gene: MTRR (5-methyltetrahydrofolate-homocysteine methyltransferase reductase; plus strand). Cytogenetic location: 5p15.31.
Variant type: single nucleotide variant.
Coding change: c.130-1G>A on transcript NM_002454.3 (MANE Select); the canonical splice acceptor site of the intron before coding-DNA position 130, G replaced by A.
Molecular consequence: splice acceptor variant.
Genome position (GRCh38, 1-based): chr5:7,873,372, G>A. VCF-style: chr5-7873372-G-A. GRCh37 (hg19) VCF-style: chr5-7873485-G-A.
Other names: c.130-1G>A (NM_001364440.2, NM_001364441.2, NM_001364442.2 and 1 more transcripts).
Identifiers: ClinVar variation 2756354 (VCV002756354.3), dbSNP rs2478700578, ClinGen allele CA359156060.

ClinVar aggregate classification (germline): Likely pathogenic (1 of 4 stars; one submission).

Conditions:
Methylcobalamin deficiency type cblE (HMAE). Also called: VITAMIN B12-RESPONSIVE HOMOCYSTINURIA, cblE TYPE; HOMOCYSTINURIA-MEGALOBLASTIC ANEMIA, cblE COMPLEMENTATION TYPE; HOMOCYSTINURIA-MEGALOBLASTIC ANEMIA, cblE TYPE. Identifiers: Orphanet 2169, Orphanet 622, MedGen C1856057, MONDO:0009354, OMIM 236270.

Submission:

Labcorp Genetics (formerly Invitae), Labcorp
Classification: Likely pathogenic for Methylcobalamin deficiency type cblE. Last evaluated: 2023-08-31. Review status: criteria provided, single submitter. Criteria: Invitae Variant Classification Sherloc (09022015). Collection method: clinical testing. Allele origin: germline.
Comment: In summary, the currently available evidence indicates that the variant is pathogenic, but additional data are needed to prove that conclusively. Therefore, this variant has been classified as Likely Pathogenic. Algorithms developed to predict the effect of sequence changes on RNA splicing suggest that this variant may disrupt the consensus splice site. This variant has not been reported in the literature in individuals affected with MTRR-related conditions. This variant is not present in population databases (gnomAD no frequency). This sequence change affects an acceptor splice site in intron 2 of the MTRR gene. It is expected to disrupt RNA splicing. Variants that disrupt the donor or acceptor splice site typically lead to a loss of protein function (PMID: 16199547), and loss-of-function variants in MTRR are known to be pathogenic (PMID: 15714522).

Literature cited by the submitters: PubMed 16199547; PubMed 15714522.